The following is an entry in ClinVar:

ClinVar aggregate classification (germline): Uncertain significance (1 of 4 stars; one submission).

Conditions:
Neurodevelopmental disorder with or without hyperkinetic movements and seizures, autosomal dominant. Also called: Intellectual disability, autosomal dominant 8. Identifiers: MedGen C3280282, MONDO:0013655, OMIM 614254.

Allele frequency attached by ClinVar (database versions not stated): gnomAD exomes below 0.00001.
gnomAD v4.1: 2 of 1,613,706 alleles (0.00012%); highest among the groups gnomAD compares: Non-Finnish European, 0.00017%; no homozygotes.

Submission:

Labcorp Genetics (formerly Invitae), Labcorp
Classification: Uncertain significance for Neurodevelopmental disorder with or without hyperkinetic movements and seizures, autosomal dominant. Last evaluated: 2023-02-27. Review status: criteria provided, single submitter. Criteria: Invitae Variant Classification Sherloc (09022015). Collection method: clinical testing. Allele origin: germline.
Comment: This sequence change replaces valine, which is neutral and non-polar, with methionine, which is neutral and non-polar, at codon 825 of the GRIN1 protein (p.Val825Met). In summary, the available evidence is currently insufficient to determine the role of this variant in disease. Therefore, it has been classified as a Variant of Uncertain Significance. Advanced modeling of protein sequence and biophysical properties (such as structural, functional, and spatial information, amino acid conservation, physicochemical variation, residue mobility, and thermodynamic stability) has been performed at Invitae for this missense variant, however the output from this modeling did not meet the statistical confidence thresholds required to predict the impact of this variant on GRIN1 protein function. This variant has not been reported in the literature in individuals affected with GRIN1-related conditions. This variant is present in population databases (no rsID available, gnomAD 0.0009%).

NM_007327.4(GRIN1):c.2473G>A (p.Val825Met)

Gene: GRIN1 (glutamate ionotropic receptor NMDA type subunit 1; plus strand). Cytogenetic location: 9q34.3.
Variant type: single nucleotide variant.
Coding change: c.2473G>A on transcript NM_007327.4 (MANE Select); coding-DNA position 2473, G replaced by A.
Protein change: p.Val825Met; replaces valine 825 with methionine.
Molecular consequence: missense variant.
Genome position (GRCh38, 1-based): chr9:137,163,788, G>A. VCF-style: chr9-137163788-G-A. GRCh37 (hg19) VCF-style: chr9-140058240-G-A.
Other names: c.2473G>A, p.Val825Met (NM_000832.7, NM_021569.4); c.2536G>A, p.Val846Met (NM_001185090.2, NM_001185091.2); short protein forms V846M, V825M.
Identifiers: ClinVar variation 2841405 (VCV002841405.3), dbSNP rs1197590974, ClinGen allele CA375726405.
Genomic context (GRCh38, chr9:137,163,788, plus strand): 5'-AGCAACTGAGGCTCTGGGTCCCGGCACACAGGGGTCTTCATGCTGGTAGCTGGGGGCATC[G>A]TGGCCGGGATCTTCCTGATTTTCATCGAGATTGCCTACAAGCGGCACAAGGATGCTCGCC-3'
Protein context (NP_015566.1, residues 815-835): GVFMLVAGGI[Val825Met]AGIFLIFIEI